The following is an entry in ClinVar:

ClinVar aggregate classification (germline): Conflicting classifications of pathogenicity. Review status: criteria provided, conflicting classifications (1 of 4 stars). 3 submissions from 3 submitters: Uncertain significance (2); Likely benign (1). Last evaluated 2024-06-24.

Conditions:
Lymphatic malformation 6 (LMPHM6). Also called: PIEZO1-related generalized lymphatic dysplasia with non-immune hydrops fetalis; GENERALIZED LYMPHATIC DYSPLASIA OF FOTIOU; Lymphedema, hereditary, III. Identifiers: Orphanet 568062, MedGen C4225184, MONDO:0014797, OMIM 616843.

Allele frequency attached by ClinVar (database versions not stated): ExAC 0.00005; gnomAD 0.00019; ESP Exome Variant Server 0.00022; TOPMed 0.00029; 1000 Genomes Project 30x 0.00031; 1000 Genomes Project 0.00040.
gnomAD v4.1: 334 of 1,550,444 alleles (0.022%); highest among the groups gnomAD compares: Admixed American, 0.037%; no homozygotes.

Submissions (3):

Clinical Genomics Laboratory, Washington University in St. Louis
Classification: Uncertain significance for Lymphatic malformation 6. Last evaluated: 2024-06-24. Review status: criteria provided, single submitter. Criteria: ACMG Guidelines, 2015. Collection method: clinical testing. Allele origin: germline.
Comment: A PIEZO1 c.7420G>A (p.Val2474Met) variant was identified at a near heterozygous allelic fraction of 48.4%, a frequency which may be consistent with germline origin. This variant has been reported to be co-occurring with another PIEZO1 variant (p.Leu2495_Glu2496dup) in an individual with hereditary xerocytosis (Picard V et al., PMID: 30655378). The PIEZO1 c.7420G>A (p.Val2474Met) variant is observed on 334/1,550,444 alleles in the general population (gnomAD v.4.1.0) and has been reported in the ClinVar database as a germline likely benign variant by one submitter (ClinVar ID: 2434815). Computational predictors are uncertain as to the impact of this variant on PIEZO1 function. Due to limited information and based on ACMG/AMP guidelines for variant interpretation (Richards S et al., PMID: 25741868), the clinical significance of this variant is uncertain at this time.

Mayo Clinic Laboratories, Mayo Clinic
Classification: Uncertain significance. Last evaluated: 2024-02-28. Review status: criteria provided, single submitter. Criteria: ACMG Guidelines, 2015. Collection method: clinical testing. Allele origin: germline. Observed: 1 variant allele.

Revvity Omics, Revvity
Classification: Likely benign. Last evaluated: 2023-08-30. Review status: criteria provided, single submitter. Criteria: ACMG Guidelines, 2015. Collection method: clinical testing. Allele origin: germline.

Literature cited by the submitters: PubMed 30655378 (cited by Mayo Clinic Laboratories, Mayo Clinic); PubMed 34662886 (cited by Mayo Clinic Laboratories, Mayo Clinic).

NM_001142864.4(PIEZO1):c.7420G>A (p.Val2474Met)

Gene: PIEZO1 (piezo type mechanosensitive ion channel component 1 (Er blood group); minus strand). Cytogenetic location: 16q24.3.
Variant type: single nucleotide variant.
Coding change: c.7420G>A on transcript NM_001142864.4 (MANE Select); coding-DNA position 7420, G replaced by A.
Protein change: p.Val2474Met; replaces valine 2474 with methionine.
Molecular consequence: missense variant.
Genome position (GRCh38, 1-based): chr16:88,715,751, C>T on the plus strand (G>A on the coding strand, the complement: PIEZO1 is on the minus strand). VCF-style: chr16-88715751-C-T. GRCh37 (hg19) VCF-style: chr16-88782159-C-T.
Other names: p.Val2474Met; c.5962G>A, p.Val1988Met (NM_014745.1); short protein forms V1988M, V2474M.
Identifiers: ClinVar variation 2434815 (VCV002434815.5), dbSNP rs200243384, ClinGen allele CA8231317.